The following is an entry in ClinVar:

NM_001943.5(DSG2):c.3100G>T (p.Ala1034Ser)

Genes: DSG2 (desmoglein 2; plus strand), DSG2-AS1 (DSG2 antisense RNA 1; minus strand). Cytogenetic location: 18q12.1.
Variant type: single nucleotide variant.
Coding change: c.3100G>T on transcript NM_001943.5 (MANE Select); coding-DNA position 3100, G replaced by T.
Protein change: p.Ala1034Ser; replaces alanine 1034 with serine.
Molecular consequence: missense variant.
Genome position (GRCh38, 1-based): chr18:31,546,486, G>T. VCF-style: chr18-31546486-G-T. GRCh37 (hg19) VCF-style: chr18-29126449-G-T.
Other names: short protein forms A1034S.
Identifiers: ClinVar variation 1417616 (VCV001417616.8), dbSNP rs2144361362, ClinGen allele CA402148423.

ClinVar aggregate classification (germline): Uncertain significance (1 of 4 stars; one submission).

Conditions:
Arrhythmogenic right ventricular dysplasia 10. Also called: Arrhythmogenic Right Ventricular Dysplasia/Cardiomyopathy10; ARRHYTHMOGENIC RIGHT VENTRICULAR DYSPLASIA, FAMILIAL, 10; Arrhythmogenic right ventricular dysplasia/cardiomyopathy, type 10. Identifiers: MedGen C1857777, MONDO:0012434, OMIM 610193.

Allele frequency attached by ClinVar (database versions not stated): gnomAD exomes below 0.00001.

Submission:

Labcorp Genetics (formerly Invitae), Labcorp
Classification: Uncertain significance for Arrhythmogenic right ventricular dysplasia 10. Last evaluated: 2023-11-03. Review status: criteria provided, single submitter. Criteria: Invitae Variant Classification Sherloc (09022015). Collection method: clinical testing. Allele origin: germline.
Comment: This sequence change replaces alanine, which is neutral and non-polar, with serine, which is neutral and polar, at codon 1034 of the DSG2 protein (p.Ala1034Ser). This variant is not present in population databases (gnomAD no frequency). This variant has not been reported in the literature in individuals affected with DSG2-related conditions. ClinVar contains an entry for this variant (Variation ID: 1417616). Advanced modeling of protein sequence and biophysical properties (such as structural, functional, and spatial information, amino acid conservation, physicochemical variation, residue mobility, and thermodynamic stability) performed at Invitae indicates that this missense variant is not expected to disrupt DSG2 protein function with a negative predictive value of 95%. In summary, the available evidence is currently insufficient to determine the role of this variant in disease. Therefore, it has been classified as a Variant of Uncertain Significance.